The following is an entry in ClinVar:

NM_015046.7(SETX):c.546C>T (p.Asp182=)

Gene: SETX (senataxin; minus strand). Cytogenetic location: 9q34.13.
Variant type: single nucleotide variant.
Coding change: c.546C>T on transcript NM_015046.7 (MANE Select); coding-DNA position 546, C replaced by T.
Protein change: p.Asp182=; no amino-acid change (aspartic acid 182 retained).
Molecular consequence: synonymous variant.
Genome position (GRCh38, 1-based): chr9:132,336,468, G>A on the plus strand (C>T on the coding strand, the complement: SETX is on the minus strand). VCF-style: chr9-132336468-G-A. GRCh37 (hg19) VCF-style: chr9-135211855-G-A.
Other names: c.546C>T, p.Asp182= (NM_001351527.2, NM_001351528.2).
Identifiers: ClinVar variation 1695271 (VCV001695271.33), dbSNP rs199748733, ClinGen allele CA200823245.

ClinVar aggregate classification (germline): Conflicting classifications of pathogenicity. Review status: criteria provided, conflicting classifications (1 of 4 stars). 2 submissions from 2 submitters: Uncertain significance (1); Likely benign (1). Last evaluated 2024-03-17.

Conditions:
Amyotrophic lateral sclerosis type 4 (ALS4). Also called: NEURONOPATHY, DISTAL HEREDITARY MOTOR, WITH PYRAMIDAL FEATURES; AMYOTROPHIC LATERAL SCLEROSIS 4, JUVENILE. Identifiers: Orphanet 357043, MedGen C1865409, MONDO:0011223, OMIM 602433.
Spinocerebellar ataxia, autosomal recessive, with axonal neuropathy 2 (SCAN2). Also called: Ataxia with Oculomotor Apraxia Type 2; Ataxia-ocular apraxia-2; ATAXIA-OCULOMOTOR APRAXIA 2; Ataxia with Oculomotor Apraxia. Identifiers: Orphanet 64753, MedGen C1853761, MONDO:0018996, OMIM 606002.

Allele frequency attached by ClinVar (database versions not stated): ESP Exome Variant Server 0.00015.

Submissions (2):

Labcorp Genetics (formerly Invitae), Labcorp
Classification: Likely benign for Amyotrophic lateral sclerosis type 4; Spinocerebellar ataxia, autosomal recessive, with axonal neuropathy 2. Last evaluated: 2024-03-17. Review status: criteria provided, single submitter. Criteria: Invitae Variant Classification Sherloc (09022015). Collection method: clinical testing. Allele origin: germline.

CeGaT Center for Human Genetics Tuebingen
Classification: Uncertain significance. Last evaluated: 2022-04-01. Review status: criteria provided, single submitter. Criteria: CeGaT Center For Human Genetics Tuebingen Variant Classification Criteria Version 2. Collection method: clinical testing. Allele origin: germline. Affected: yes. Observed: 1 variant allele.
Comment: SETX: PM2:Supporting, BP4